The following is an entry in ClinVar:

ClinVar aggregate classification (germline): Uncertain significance (1 of 4 stars; one submission).

Conditions:
Leukocyte adhesion deficiency 3. Also called: INTEGRIN ACTIVATION DEFICIENCY DISEASE; LEUKOCYTE ADHESION DEFICIENCY 1 VARIANT; Leukocyte adhesion deficiency, type III. Identifiers: Orphanet 2968, Orphanet 99844, MedGen C2748536, MONDO:0013016, OMIM 612840.

Allele frequency attached by ClinVar (database versions not stated): gnomAD exomes below 0.00001.

Submission:

Labcorp Genetics (formerly Invitae), Labcorp
Classification: Uncertain significance for Leukocyte adhesion deficiency 3. Last evaluated: 2025-09-02. Review status: criteria provided, single submitter. Criteria: Invitae Variant Classification Sherloc (09022015). Collection method: clinical testing. Allele origin: germline.
Comment: This sequence change replaces glycine, which is neutral and non-polar, with arginine, which is basic and polar, at codon 171 of the FERMT3 protein (p.Gly171Arg). This variant is not present in population databases (gnomAD no frequency). This variant has not been reported in the literature in individuals affected with FERMT3-related conditions. ClinVar contains an entry for this variant (Variation ID: 2834630). Invitae Evidence Modeling of protein sequence and biophysical properties (such as structural, functional, and spatial information, amino acid conservation, physicochemical variation, residue mobility, and thermodynamic stability) indicates that this missense variant is not expected to disrupt FERMT3 protein function with a negative predictive value of 80%. In summary, the available evidence is currently insufficient to determine the role of this variant in disease. Therefore, it has been classified as a Variant of Uncertain Significance.

NM_031471.6(FERMT3):c.511G>A (p.Gly171Arg)

Gene: FERMT3 (FERM domain containing kindlin 3; plus strand). Cytogenetic location: 11q13.1.
Variant type: single nucleotide variant.
Coding change: c.511G>A on transcript NM_031471.6 (MANE Select); coding-DNA position 511, G replaced by A.
Protein change: p.Gly171Arg; replaces glycine 171 with arginine.
Molecular consequence: missense variant. On other transcripts: 5 prime UTR variant (2).
Genome position (GRCh38, 1-based): chr11:64,211,168, G>A. VCF-style: chr11-64211168-G-A. GRCh37 (hg19) VCF-style: chr11-63978640-G-A.
Other names: c.511G>A, p.Gly171Arg (NM_001382361.1, NM_001382362.1, NM_001382448.1 and 1 more transcripts); c.-30G>A (NM_001382363.1, NM_001382364.1); short protein forms G171R.
Identifiers: ClinVar variation 2834630 (VCV002834630.3), dbSNP rs2495972336, ClinGen allele CA381082089.